The following is an entry in ClinVar:

NM_015046.7(SETX):c.7612G>C (p.Asp2538His)

Gene: SETX (senataxin; minus strand). Cytogenetic location: 9q34.13.
Variant type: single nucleotide variant.
Coding change: c.7612G>C on transcript NM_015046.7 (MANE Select); coding-DNA position 7612, G replaced by C.
Protein change: p.Asp2538His; replaces aspartic acid 2538 with histidine.
Molecular consequence: missense variant.
Genome position (GRCh38, 1-based): chr9:132,264,661, C>G on the plus strand (G>C on the coding strand, the complement: SETX is on the minus strand). VCF-style: chr9-132264661-C-G. GRCh37 (hg19) VCF-style: chr9-135140048-C-G.
Other names: p.Asp2538His; c.7612G>C, p.Asp2538His (NM_001351527.2); c.7699G>C, p.Asp2567His (NM_001351528.2); short protein forms D2567H, D2538H.
Identifiers: ClinVar variation 1759811 (VCV001759811.3), dbSNP rs1473906430, ClinGen allele CA375324327.
Genomic context (GRCh38, chr9:132,264,661, plus strand): 5'-GATCCCAAAGGAATATTCCTCCTTTGACCTCAATGCCCATCCTCTTCAGCAGTCGTGGGT[C>G]CTGAAGTTGGTCATGAACAGGAGGTCTTTCAGGGTCCTTTGAAGTAACAGTAAGAGTAAT-3'
Protein context (NP_055861.3, residues 2528-2548): ERPPVHDQLQ[Asp2538His]PRLLKRMGIE

ClinVar aggregate classification (germline): Uncertain significance. Review status: criteria provided, multiple submitters, no conflicts (2 of 4 stars). 2 submissions from 2 submitters: Uncertain significance (2). Last evaluated 2022-12-27.

Conditions:
Inborn genetic diseases. Identifiers: MedGen C0950123, MeSH D030342.

Allele frequency attached by ClinVar (database versions not stated): TOPMed below 0.00001; gnomAD 0.00001.
gnomAD v4.1: 11 of 1,613,990 alleles (0.00068%); highest among the groups gnomAD compares: Non-Finnish European, 0.00093%; no homozygotes.

Submissions (2):

Mayo Clinic Laboratories, Mayo Clinic
Classification: Uncertain significance. Last evaluated: 2022-12-27. Review status: criteria provided, single submitter. Criteria: ACMG Guidelines, 2015. Collection method: clinical testing. Allele origin: germline. Observed: 1 variant allele.

Ambry Genetics
Classification: Uncertain significance for Inborn genetic diseases. Last evaluated: 2019-11-27. Review status: criteria provided, single submitter. Criteria: Ambry Variant Classification Scheme 2023. Collection method: clinical testing. Allele origin: germline.
Comment: The p.D2538H variant (also known as c.7612G>C), located in coding exon 24 of the SETX gene, results from a G to C substitution at nucleotide position 7612. The aspartic acid at codon 2538 is replaced by histidine, an amino acid with similar properties. This amino acid position is well conserved in available vertebrate species. In addition, the in silico prediction for this alteration is inconclusive. Since supporting evidence is limited at this time, the clinical significance of this alteration remains unclear.